The following is an entry in ClinVar:

ClinVar aggregate classification (germline): Conflicting classifications of pathogenicity. Review status: criteria provided, conflicting classifications (1 of 4 stars). 3 submissions from 3 submitters: Likely pathogenic (2); Uncertain significance (1). Last evaluated 2025-06-29.

Allele frequency attached by ClinVar (database versions not stated): TOPMed below 0.00001; gnomAD 0.00001.
gnomAD v4.1: 9 of 1,613,844 alleles (0.00056%); highest among the groups gnomAD compares: Non-Finnish European, 0.00076%; no homozygotes.

Submissions (3):

Labcorp Genetics (formerly Invitae), Labcorp
Classification: Likely pathogenic. Last evaluated: 2025-06-29. Review status: criteria provided, single submitter. Criteria: Invitae Variant Classification Sherloc (09022015). Collection method: clinical testing. Allele origin: germline.
Comment: This sequence change replaces asparagine, which is neutral and polar, with lysine, which is basic and polar, at codon 741 of the OCA2 protein (p.Asn741Lys). This variant is not present in population databases (gnomAD no frequency). This missense change has been observed in individual(s) with oculocutaneous albinism (internal data). In at least one individual the data is consistent with being in trans (on the opposite chromosome) from a pathogenic variant. ClinVar contains an entry for this variant (Variation ID: 2137626). Invitae Evidence Modeling of protein sequence and biophysical properties (such as structural, functional, and spatial information, amino acid conservation, physicochemical variation, residue mobility, and thermodynamic stability) indicates that this missense variant is expected to disrupt OCA2 protein function with a positive predictive value of 80%. This variant disrupts the p.Asn741 amino acid residue in OCA2. Other variant(s) that disrupt this residue have been observed in individuals with OCA2-related conditions (PMID: 34838614), which suggests that this may be a clinically significant amino acid residue. In summary, the currently available evidence indicates that the variant is pathogenic, but additional data are needed to prove that conclusively. Therefore, this variant has been classified as Likely Pathogenic.

GeneDx
Classification: Likely pathogenic. Last evaluated: 2024-07-10. Review status: criteria provided, single submitter. Criteria: GeneDx Variant Classification Process June 2021. Collection method: clinical testing. Allele origin: germline. Affected: yes.
Comment: Not observed at significant frequency in large population cohorts (gnomAD); In silico analysis supports that this missense variant has a deleterious effect on protein structure/function; This variant is associated with the following publications: (PMID: 21541274)

Blueprint Genetics
Classification: Uncertain significance. Last evaluated: 2024-03-13. Review status: criteria provided, single submitter. Criteria: ACMG Guidelines, 2015. Collection method: clinical testing. Allele origin: germline.

Literature cited by the submitters: PubMed 34838614 (cited by Labcorp Genetics (formerly Invitae), Labcorp).

NM_000275.3(OCA2):c.2223C>A (p.Asn741Lys)

Gene: OCA2 (OCA2 melanosomal transmembrane protein; minus strand). Cytogenetic location: 15q13.1.
Variant type: single nucleotide variant.
Coding change: c.2223C>A on transcript NM_000275.3 (MANE Select); coding-DNA position 2223, C replaced by A.
Protein change: p.Asn741Lys; replaces asparagine 741 with lysine.
Molecular consequence: missense variant.
Genome position (GRCh38, 1-based): chr15:27,871,175, G>T on the plus strand (C>A on the coding strand, the complement: OCA2 is on the minus strand). VCF-style: chr15-27871175-G-T. GRCh37 (hg19) VCF-style: chr15-28116321-G-T.
Other names: c.2151C>A, p.Asn717Lys (NM_001300984.2); c.2223C>A (NM_000275.2); short protein forms N717K, N741K.
Identifiers: ClinVar variation 2137626 (VCV002137626.6), dbSNP rs970276749, ClinGen allele CA267859827.
Genomic context (GRCh38, chr15:27,871,175, plus strand): 5'-GCTAAAGTTGAGCCGTCGACATGGACATGTGCAACTCACCATGGTAGCAGTGAACGGGAT[G>T]TTGTCAATCAGGGACGACGCCAGGGCTGAGACCCACACCACCAGGACAATGGCGGCTATG-3'
Protein context (NP_000266.2, residues 731-751): VSALASSLID[Asn741Lys]IPFTATMIPV